The following is an entry in ClinVar:

NM_000061.3(BTK):c.1355T>C (p.Leu452Pro)

Gene: BTK (Bruton tyrosine kinase; minus strand). Cytogenetic location: Xq22.1.
Variant type: single nucleotide variant.
Coding change: c.1355T>C on transcript NM_000061.3 (MANE Select); coding-DNA position 1355, T replaced by C.
Protein change: p.Leu452Pro; replaces leucine 452 with proline.
Molecular consequence: missense variant. On other transcripts: intron variant (1).
Genome position (GRCh38, 1-based): chrX:101,356,263, A>G on the plus strand (T>C on the coding strand, the complement: BTK is on the minus strand). VCF-style: chrX-101356263-A-G. GRCh37 (hg19) VCF-style: chrX-100611251-A-G.
Other names: c.1457T>C, p.Leu486Pro (NM_001287344.2); c.1039-1569T>C (NM_001287345.2); short protein forms L452P, L486P.
Identifiers: ClinVar variation 1328188 (VCV001328188.4), dbSNP rs2147427580, ClinGen allele CA413924621.
Genomic context (GRCh38, chrX:101,356,263, plus strand): 5'-ATGAAGATGGGGCGCTGCTTGGTGCAGACGCCATACAACTGCACCAGCTTCTCATGGGAA[A>G]GATTCCTACAGGAAAGGCAAGGAACTAGTCTTCTCCTTTTGGCTCTGCATAATAGCAATA-3'
Protein context (NP_000052.1, residues 442-462): FIEEAKVMMN[Leu452Pro]SHEKLVQLYG

ClinVar aggregate classification (germline): Likely pathogenic (1 of 4 stars; one submission).

Conditions:
X-linked agammaglobulinemia (XLA). Also called: Bruton's agammaglobulinemia; AGAMMAGLOBULINEMIA, X-LINKED, TYPE 1; IMMUNODEFICIENCY 1; Agammaglobulinemia, Bruton tyrosine kinase; Agammaglobulinemia, BTK; BTK-deficiency. Identifiers: Orphanet 229717, Orphanet 47, MedGen C0221026, MONDO:0010421, OMIM 300755.

Submission:

Illumina Laboratory Services, Illumina
Classification: Likely pathogenic for X-linked agammaglobulinemia. Last evaluated: 2021-10-04. Review status: criteria provided, single submitter. Criteria: ICSLVariantClassificationCriteria RUGD 01 April 2020. Collection method: clinical testing. Allele origin: unknown.
Comment: The BTK c.1355T>C (p.Leu452Pro) variant is a missense variant that has been reported in at least two individuals with agammaglobulinemia (Speletas et al. 2001; Kuehn et al. 2016). This variant is not found in version 2.1.1 or version 3.1.1 of the Genome Aggregation Database despite its location in a region of good sequence coverage, which suggests the variant is rare. Evaluation of the crystal structure of the tyrosine kinase domain showed that the Leu452 residue is likely important in providing local structural stability (Mao et al. 2001). Multiple lines of computational evidence suggest that this variant may have a deleterious impact on the protein, though these predictions have not been confirmed experimentally. Based on the available evidence, the p.Leu452Pro variant is classified as likely pathogenic for X-linked agammaglobulinemia.

Literature cited by the submitters: PubMed 11527964; PubMed 11555397; PubMed 26981933.